The following is an entry in ClinVar:

NM_001319074.4(RAX2):c.236G>C (p.Arg79Pro)

Gene: RAX2 (retina and anterior neural fold homeobox 2; minus strand). Cytogenetic location: 19p13.3.
Variant type: single nucleotide variant.
Coding change: c.236G>C on transcript NM_001319074.4 (MANE Select); coding-DNA position 236, G replaced by C.
Protein change: p.Arg79Pro; replaces arginine 79 with proline.
Molecular consequence: missense variant.
Genome position (GRCh38, 1-based): chr19:3,770,940, C>G on the plus strand (G>C on the coding strand, the complement: RAX2 is on the minus strand). VCF-style: chr19-3770940-C-G. GRCh37 (hg19) VCF-style: chr19-3770938-C-G.
Other names: c.236G>C, p.Arg79Pro (NM_032753.4); short protein forms R79P.
Identifiers: ClinVar variation 1385060 (VCV001385060.6), dbSNP rs779301810, ClinGen allele CA403375126.

ClinVar aggregate classification (germline): Uncertain significance (1 of 4 stars; one submission).

Submission:

Labcorp Genetics (formerly Invitae), Labcorp
Classification: Uncertain significance. Last evaluated: 2024-02-24. Review status: criteria provided, single submitter. Criteria: Invitae Variant Classification Sherloc (09022015). Collection method: clinical testing. Allele origin: germline.
Comment: This sequence change replaces arginine, which is basic and polar, with proline, which is neutral and non-polar, at codon 79 of the RAX2 protein (p.Arg79Pro). This variant is not present in population databases (gnomAD no frequency). This missense change has been observed in individual(s) with autosomal dominant RAX2-related conditions (Invitae). ClinVar contains an entry for this variant (Variation ID: 1385060). An algorithm developed to predict the effect of missense changes on protein structure and function (PolyPhen-2) suggests that this variant is likely to be disruptive. This variant disrupts the p.Arg79 amino acid residue in RAX2. Other variant(s) that disrupt this residue have been determined to be pathogenic (PMID: 34662339; Invitae). This suggests that this residue is clinically significant, and that variants that disrupt this residue are likely to be disease-causing. In summary, the available evidence is currently insufficient to determine the role of this variant in disease. Therefore, it has been classified as a Variant of Uncertain Significance.

Literature cited by the submitters: PubMed 34662339.